The following is an entry in ClinVar:

NM_013275.6(ANKRD11):c.274C>T (p.Arg92Trp)

Gene: ANKRD11 (ankyrin repeat domain 11; minus strand). Cytogenetic location: 16q24.3.
Variant type: single nucleotide variant.
Coding change: c.274C>T on transcript NM_013275.6 (MANE Select); coding-DNA position 274, C replaced by T.
Protein change: p.Arg92Trp; replaces arginine 92 with tryptophan.
Molecular consequence: missense variant. On other transcripts: non-coding transcript variant (1).
Genome position (GRCh38, 1-based): chr16:89,291,136, G>A on the plus strand (C>T on the coding strand, the complement: ANKRD11 is on the minus strand). VCF-style: chr16-89291136-G-A. GRCh37 (hg19) VCF-style: chr16-89357544-G-A.
Other names: p.Arg92Trp; c.274C>T, p.Arg92Trp (NM_001256182.2, NM_001256183.2); short protein forms R92W.
Identifiers: ClinVar variation 1342177 (VCV001342177.4), dbSNP rs1482187297, ClinGen allele CA397167816.
Genomic context (GRCh38, chr16:89,291,136, plus strand): 5'-AGAGGGGGTAGCCGGCTCGGATTCCAGACAGCCCCATGCCAAACAGCAGCCCGGCCTTCC[G>A]GGTGACAGGCTCCTTCTTAATCCTCTTCCGCTCAGGGCCCTGCTTCTCTGTGAGGCGGGC-3'
Protein context (NP_037407.4, residues 82-102): RKRIKKEPVT[Arg92Trp]KAGLLFGMGL

ClinVar aggregate classification (germline): Uncertain significance (1 of 4 stars; one submission).

Conditions:
KBG syndrome (KBGS). Also called: ANKRD11-Related KBG Syndrome. Identifiers: Orphanet 2332, MedGen C0220687, MONDO:0007846, OMIM 148050.

Allele frequency attached by ClinVar (database versions not stated): gnomAD 0.00001; gnomAD exomes 0.00001 and 0.00002; TOPMed 0.00001.

Submission:

Foundation for Research in Genetics and Endocrinology, FRIGE's Institute of Human Genetics
Classification: Uncertain significance for KBG syndrome. Last evaluated: 2021-09-08. Review status: criteria provided, single submitter. Criteria: ACMG Guidelines, 2015. Collection method: clinical testing. Allele origin: germline. Inheritance: Autosomal dominant inheritance. Affected: yes. Observed: 1 heterozygote.
Comment: A heterozygous missense variation in exon 5 of the ANKRD11 gene that results in the amino acid substitution of Tryptophan for Arginine at codon 92 was detected. The observed variant c.274C>T (p.Arg92Trp) has not been reported in the 1000 genomes and has a minor allele frequency of 0.003% in the gnomAD. The in silico prediction of the variant are possibly damaging by PolyPhen-2 (HumDiv) and damaging by SIFT, LRT and MutationTaster2. The reference codon is conserved across species. In summary, the variant meets our criteria to be classified as a variant of uncertain significance.